The following is an entry in ClinVar:

ClinVar aggregate classification (germline): Uncertain significance (1 of 4 stars; one submission).

Conditions:
Hypercholesterolemia, familial, 1. Also called: HYPERCHOLESTEROLEMIA, FAMILIAL, MODIFIER OF; LDL RECEPTOR DISORDER; Hyperlipoproteinemia Type IIa; HYPER-LOW-DENSITY-LIPOPROTEINEMIA; HYPERCHOLESTEROLEMIC XANTHOMATOSIS, FAMILIAL; Fredrickson type IIa hyperlipoproteinemia. Identifiers: Orphanet 391665, MedGen C0745103, MONDO:0007750, OMIM 143890.
Laron-type isolated somatotropin defect. Also called: Growth hormone binding protein deficiency or dysfunction; Growth hormone receptor deficiency or dysfunction; Laron dwarfism; Laron type pituitary dwarfism I; GROWTH HORMONE RECEPTOR DEFICIENCY; Laron Syndrome. Identifiers: Orphanet 633, MedGen C0271568, MONDO:0009877, OMIM 262500.
Short stature due to partial GHR deficiency. Also called: Growth hormone, insensitivity to, partial; GROWTH HORMONE INSENSITIVITY, PARTIAL; GROWTH HORMONE DEFICIENCY, ISOLATED PARTIAL. Identifiers: Orphanet 314802, Orphanet 314811, MedGen C1858656, MONDO:0011420, OMIM 604271.

Submission:

Juno Genomics, Hangzhou Juno Genomics, Inc
Classification: Uncertain significance for Hypercholesterolemia, familial, 1; Short stature due to partial GHR deficiency; Laron-type isolated somatotropin defect. Review status: criteria provided, single submitter. Criteria: ACMG Guidelines, 2015. Collection method: clinical testing. Allele origin: germline. Affected: yes.
Comment: Absent from controls (or at extremely low frequency if recessive) in Genome Aggregation Database, Exome Sequencing Project, 1000 Genomes Project, or Exome Aggregation Consortium.;Null variant in a gene where loss of function (LOF) is a known mechanism of disease.

NM_000163.5(GHR):c.1704del (p.Thr569fs)

Gene: GHR (growth hormone receptor; plus strand). Cytogenetic location: 5p12.
Variant type: Deletion.
Coding change: c.1704del on transcript NM_000163.5 (MANE Select); coding-DNA position 1704, one base deleted (C; older notation c.1704delC).
Protein change: p.Thr569fs; shifts the reading frame from threonine 569.
Molecular consequence: frameshift variant. On other transcripts: 3 prime UTR variant (1).
Genome position (GRCh38, 1-based): chr5:42,719,211, C deleted; the last of 2 consecutive C bases (chr5:42,719,210-42,719,211); deleting either gives the same sequence. VCF-style (leftmost placement, unchanged base first): chr5-42719209-AC-A. GRCh37 (hg19) VCF-style: chr5-42719311-AC-A.
Other names: c.1725del, p.Thr576fs (NM_001242399.2); c.1704del, p.Thr569fs (NM_001242400.2, NM_001242401.4, NM_001242402.2 and 4 more transcripts); c.1638del, p.Thr547fs (NM_001242460.2); c.*746del (NM_001242462.1); short protein forms T547fs, T569fs, T576fs.
Identifiers: ClinVar variation 3382733 (VCV003382733.2).